The following is an entry in ClinVar:

ClinVar aggregate classification (germline): Likely benign. Review status: criteria provided, multiple submitters, no conflicts (2 of 4 stars). 3 submissions from 3 submitters: Likely benign (2). 1 of the submissions does not count toward it. Last evaluated 2026-02-01.

Conditions:
BBS7-related disorder. Also called: BBS7-related condition.
Bardet-Biedl syndrome (BBS). Identifiers: Orphanet 110, MedGen C0752166, MONDO:0015229.

Allele frequency attached by ClinVar (database versions not stated): gnomAD 0.00005; 1000 Genomes Project 30x 0.00047; 1000 Genomes Project 0.00060.
gnomAD v4.1: 123 of 1,613,620 alleles (0.0076%); highest among the groups gnomAD compares: South Asian, 0.13%; 1 homozygote.

Submissions (3):

Labcorp Genetics (formerly Invitae), Labcorp
Classification: Likely benign for Bardet-Biedl syndrome. Last evaluated: 2026-02-01. Review status: criteria provided, single submitter. Criteria: Invitae Variant Classification Sherloc (09022015). Collection method: clinical testing. Allele origin: germline.

Blueprint Genetics
Classification: Likely benign. Last evaluated: 2023-05-12. Review status: criteria provided, single submitter. Criteria: ACMG Guidelines, 2015. Collection method: clinical testing. Allele origin: germline.

PreventionGenetics, part of Exact Sciences
Classification: Likely benign for BBS7-related condition. Last evaluated: 2020-03-20. Review status: no assertion criteria provided. Collection method: clinical testing. Allele origin: germline. Not counted in ClinVar's aggregate classification.
Comment: This variant is classified as likely benign based on ACMG/AMP sequence variant interpretation guidelines (Richards et al. 2015 PMID: 25741868, with internal and published modifications).

NM_176824.3(BBS7):c.567C>T (p.Pro189=)

Gene: BBS7 (Bardet-Biedl syndrome 7; minus strand). Cytogenetic location: 4q27.
Variant type: single nucleotide variant.
Coding change: c.567C>T on transcript NM_176824.3 (MANE Select); coding-DNA position 567, C replaced by T.
Protein change: p.Pro189=; no amino-acid change (proline 189 retained).
Molecular consequence: synonymous variant.
Genome position (GRCh38, 1-based): chr4:121,855,523, G>A on the plus strand (C>T on the coding strand, the complement: BBS7 is on the minus strand). VCF-style: chr4-121855523-G-A. GRCh37 (hg19) VCF-style: chr4-122776678-G-A.
Other names: c.567C>T, p.Pro189= (NM_018190.4); c.567C>T (NM_176824.2).
Identifiers: ClinVar variation 1112838 (VCV001112838.10), dbSNP rs567185907, ClinGen allele CA3064477.